The following is an entry in ClinVar:

NM_005051.3(QARS1):c.117+4C>G

Genes: QARS1 (glutaminyl-tRNA synthetase 1; minus strand), LOC129936736 (ATAC-STARR-seq lymphoblastoid active region 19853; plus strand). Cytogenetic location: 3p21.31.
Variant type: single nucleotide variant.
Coding change: c.117+4C>G on transcript NM_005051.3 (MANE Select); 4 bases into the intron after coding-DNA position 117, C replaced by G.
Molecular consequence: intron variant.
Genome position (GRCh38, 1-based): chr3:49,104,613, G>C on the plus strand (C>G on the coding strand, the complement: QARS1 is on the minus strand). VCF-style: chr3-49104613-G-C. GRCh37 (hg19) VCF-style: chr3-49142046-G-C.
Other names: c.117+4C>G (NM_001272073.2).
Identifiers: ClinVar variation 1384027 (VCV001384027.6), dbSNP rs749708983, ClinGen allele CA2573137162.

ClinVar aggregate classification (germline): Uncertain significance (1 of 4 stars; one submission).

Conditions:
Diffuse cerebral and cerebellar atrophy - intractable seizures - progressive microcephaly syndrome. Also called: Microcephaly, progressive, with seizures and cerebral and cerebellar atrophy. Identifiers: Orphanet 404437, MedGen C4014239, MONDO:0014335, OMIM 615760.

Submission:

Labcorp Genetics (formerly Invitae), Labcorp
Classification: Uncertain significance for Diffuse cerebral and cerebellar atrophy - intractable seizures - progressive microcephaly syndrome. Last evaluated: 2021-04-02. Review status: criteria provided, single submitter. Criteria: Invitae Variant Classification Sherloc (09022015). Collection method: clinical testing. Allele origin: germline.
Comment: This sequence change falls in intron 1 of the QARS gene. It does not directly change the encoded amino acid sequence of the QARS protein. It affects a nucleotide within the consensus splice site of the intron. This variant is not present in population databases (ExAC no frequency). This variant has not been reported in the literature in individuals with QARS-related conditions. In summary, the available evidence is currently insufficient to determine the role of this variant in disease. Therefore, it has been classified as a Variant of Uncertain Significance. Nucleotide substitutions within the consensus splice site are a relatively common cause of aberrant splicing (PMID: 17576681, 9536098). Algorithms developed to predict the effect of sequence changes on RNA splicing suggest that this variant is not likely to affect RNA splicing, but this prediction has not been confirmed by published transcriptional studies.

Literature cited by the submitters: PubMed 17576681; PubMed 9536098.